The following is an entry in ClinVar:

NM_002693.3(POLG):c.-21G>T

Genes: POLG (DNA polymerase gamma, catalytic subunit; minus strand), POLGARF (POLG alternative reading frame; minus strand). Cytogenetic location: 15q26.1.
Variant type: single nucleotide variant.
Coding change: c.-21G>T on transcript NM_002693.3 (MANE Select); 21 bases upstream of the start codon, G replaced by T.
Molecular consequence: 5 prime UTR variant.
Genome position (GRCh38, 1-based): chr15:89,333,775, C>A on the plus strand (G>T on the coding strand, the complement: POLG is on the minus strand). VCF-style: chr15-89333775-C-A. GRCh37 (hg19) VCF-style: chr15-89877006-C-A.
Other names: c.-21G>T (NM_001126131.2).
Identifiers: ClinVar variation 206468 (VCV000206468.1), dbSNP rs750010376, ClinGen allele CA316593.

ClinVar aggregate classification (germline): Likely benign (1 of 4 stars; one submission).

Allele frequency attached by ClinVar (database versions not stated): gnomAD 0.00002 and 0.00003; gnomAD exomes 0.00002 and 0.00005; TOPMed 0.00004; ExAC 0.00028.
gnomAD v4.1: 31 of 1,534,834 alleles (0.002%); highest among the groups gnomAD compares: South Asian, 0.018%; no homozygotes.

Submission:

GeneDx
Classification: Likely benign. Last evaluated: 2012-06-07. Review status: criteria provided, single submitter. Criteria: GeneDx Variant Classification (06012015). Collection method: clinical testing. Allele origin: germline. Affected: yes.
Comment: The variant is found in CHILD-EPI panel(s).